The following is an entry in ClinVar:

ClinVar aggregate classification (germline): Uncertain significance. Review status: criteria provided, multiple submitters, no conflicts (2 of 4 stars). 4 submissions from 4 submitters: Uncertain significance (3). 1 of the submissions does not count toward it. Last evaluated 2025-08-25.

Conditions:
RAF1-related disorder. Also called: RAF1-related disorders; RAF1-related condition.
RASopathy. Also called: rasopathies; Noonan spectrum disorder. Identifiers: Orphanet 536391, MedGen C5555857, MONDO:0021060.
Cardiovascular phenotype. Identifiers: MedGen CN230736.
LEOPARD syndrome 2 (LPRD2). Also called: RAF1-Related LEOPARD Syndrome. Identifiers: Orphanet 500, MedGen C1969056, MONDO:0012691, OMIM 611554.
Noonan syndrome 5 (NS5). Also called: RAF1-Related Noonan Syndrome. Identifiers: Orphanet 648, MedGen C1969057, MONDO:0012690, OMIM 611553. Disease mechanism: gain of function.

Allele frequency attached by ClinVar (database versions not stated): gnomAD exomes below 0.00001.

Submissions (4):

Ambry Genetics
Classification: Uncertain significance for Cardiovascular phenotype. Last evaluated: 2025-08-25. Review status: criteria provided, single submitter. Criteria: Ambry Variant Classification Scheme 2023. Collection method: clinical testing. Allele origin: germline.
Comment: The p.M1? variant (also known as c.1A>G) is located in coding exon 1 of the RAF1 gene and results from an A to G substitution at nucleotide position 1. This alters the methionine residue at the initiation codon (ATG). Sequence variations that modify the initiation codon are expected to result in either loss of translation initiation, N-terminal truncation, or cause a shift in the mRNA reading frame. However, loss of function of RAF1 has not been established as a mechanism of disease. Based on the available evidence, the clinical significance of this alteration remains unclear.

Labcorp Genetics (formerly Invitae), Labcorp
Classification: Uncertain significance for RASopathy. Last evaluated: 2024-08-13. Review status: criteria provided, single submitter. Criteria: Invitae Variant Classification Sherloc (09022015). Collection method: clinical testing. Allele origin: germline.
Comment: This sequence change affects the initiator methionine of the RAF1 mRNA. The next in-frame methionine is located at codon 76. This variant is not present in population databases (gnomAD no frequency). Disruption of the initiator codon has been observed in individual(s) with dilated cardiomyopathy (Invitae). ClinVar contains an entry for this variant (Variation ID: 1497149). Experimental studies and prediction algorithms are not available or were not evaluated, and the functional significance of this variant is currently unknown. In summary, the available evidence is currently insufficient to determine the role of this variant in disease. Therefore, it has been classified as a Variant of Uncertain Significance.

Pediatric/Medical Genetics, Ministry of Health, Qatif Central Hospital
Classification: Uncertain significance for Noonan syndrome 5; LEOPARD syndrome 2. Review status: criteria provided, single submitter. Criteria: ACMG Guidelines, 2015. Collection method: clinical testing. Allele origin: germline. Inheritance: Autosomal dominant inheritance. Affected: yes.

PreventionGenetics, part of Exact Sciences
Classification: Uncertain significance for RAF1-related condition. Last evaluated: 2024-04-12. Review status: no assertion criteria provided. Collection method: clinical testing. Allele origin: germline. Not counted in ClinVar's aggregate classification.
Comment: The RAF1 c.1A>G variant is predicted to disrupt the translation initiation site (Start loss). To our knowledge, this variant has not been reported in the literature or in a large population database, indicating this variant is rare. At this time, the clinical significance of this variant is uncertain due to the absence of conclusive functional and genetic evidence.

NM_002880.4(RAF1):c.1A>G (p.Met1Val)

Gene: RAF1 (Raf-1 proto-oncogene, serine/threonine kinase; minus strand). Cytogenetic location: 3p25.2.
Variant type: single nucleotide variant.
Coding change: c.1A>G on transcript NM_002880.4 (MANE Select); coding-DNA position 1, A replaced by G.
Protein change: p.Met1Val; changes the start codon (methionine 1).
Molecular consequence: missense variant, initiator codon variant. On other transcripts: 5 prime UTR variant (4), non-coding transcript variant (3).
Genome position (GRCh38, 1-based): chr3:12,618,721, T>C on the plus strand (A>G on the coding strand, the complement: RAF1 is on the minus strand). VCF-style: chr3-12618721-T-C. GRCh37 (hg19) VCF-style: chr3-12660220-T-C.
Other names: c.1A>G, p.Met1Val (NM_001354689.3, NM_001354690.3, NM_001354693.3); c.-130A>G (NM_001354691.3, NM_001354692.3, NM_001354694.3 and 1 more transcripts); c.1A>G (NM_002880.3); short protein forms M1V.
Identifiers: ClinVar variation 1497149 (VCV001497149.10), dbSNP rs2125453796, ClinGen allele CA351485294.
Genomic context (GRCh38, chr3:12,618,721, plus strand): 5'-CGGCATCTTTGAATCCAAAACCATTGCTGATCGTCTTCCAAGCTCCCTGTATGTGCTCCA[T>C]TGATGCAGCTTAAACAATTCTTAAACCTGGTAAGAAACACAAATAATTGTAACTCTAGAA-3'
Protein context (NP_002871.1, residues 1-11): [Met1Val]EHIQGAWKTI